The following is an entry in ClinVar:

NM_000262.3(NAGA):c.697G>A (p.Val233Met)

Gene: NAGA (alpha-N-acetylgalactosaminidase; minus strand). Cytogenetic location: 22q13.2.
Variant type: single nucleotide variant.
Coding change: c.697G>A on transcript NM_000262.3 (MANE Select); coding-DNA position 697, G replaced by A.
Protein change: p.Val233Met; replaces valine 233 with methionine.
Molecular consequence: missense variant.
Genome position (GRCh38, 1-based): chr22:42,065,800, C>T on the plus strand (G>A on the coding strand, the complement: NAGA is on the minus strand). VCF-style: chr22-42065800-C-T. GRCh37 (hg19) VCF-style: chr22-42461804-C-T.
Other names: c.697G>A, p.Val233Met (NM_001362848.1, NM_001362850.1); short protein forms V233M.
Identifiers: ClinVar variation 902999 (VCV000902999.10), dbSNP rs201294991, ClinGen allele CA10263721.

ClinVar aggregate classification (germline): Uncertain significance. Review status: criteria provided, multiple submitters, no conflicts (2 of 4 stars). 5 submissions from 4 submitters: Uncertain significance (5). Last evaluated 2023-01-12.

Conditions:
Inborn genetic diseases. Identifiers: MedGen C0950123, MeSH D030342.
Alpha-N-acetylgalactosaminidase deficiency type 1. Also called: SCHINDLER DISEASE, TYPE I; ALPHA-N-ACETYLGALACTOSAMINIDASE DEFICIENCY, TYPE I; NAGA DEFICIENCY, TYPE I; NEUROAXONAL DYSTROPHY, SCHINDLER TYPE. Identifiers: Orphanet 3137, Orphanet 79279, Orphanet 79281, MedGen C1836544, MONDO:0012221, OMIM 609241.
Alpha-N-acetylgalactosaminidase deficiency type 2. Also called: ALPHA-N-ACETYLGALACTOSAMINIDASE DEFICIENCY, TYPE II; NAGA DEFICIENCY, TYPE II; SCHINDLER DISEASE, TYPE II. Identifiers: Orphanet 3137, Orphanet 79280, MedGen C1836522, MONDO:0012222, OMIM 609242.

Allele frequency attached by ClinVar (database versions not stated): 1000 Genomes Project 30x 0.00016; gnomAD 0.00017 and 0.00018; gnomAD exomes 0.00018 and 0.00019; 1000 Genomes Project 0.00020; TOPMed 0.00020; ExAC 0.00022; ESP Exome Variant Server 0.00023.
gnomAD v4.1: 296 of 1,614,122 alleles (0.018%); highest among the groups gnomAD compares: Non-Finnish European, 0.023%; no homozygotes.

Submissions (5):

Department of Pathology and Laboratory Medicine, Sinai Health System
Classification: Uncertain significance for Alpha-N-acetylgalactosaminidase deficiency type 1; Alpha-N-acetylgalactosaminidase deficiency type 2. Last evaluated: 2023-01-12. Review status: criteria provided, single submitter. Criteria: ACMG Guidelines, 2015. Collection method: research. Allele origin: germline.

Labcorp Genetics (formerly Invitae), Labcorp
Classification: Uncertain significance for Alpha-N-acetylgalactosaminidase deficiency type 1. Last evaluated: 2022-09-27. Review status: criteria provided, single submitter. Criteria: Invitae Variant Classification Sherloc (09022015). Collection method: clinical testing. Allele origin: germline.
Comment: This sequence change replaces valine, which is neutral and non-polar, with methionine, which is neutral and non-polar, at codon 233 of the NAGA protein (p.Val233Met). This variant is present in population databases (rs201294991, gnomAD 0.03%). This variant has not been reported in the literature in individuals affected with NAGA-related conditions. ClinVar contains an entry for this variant (Variation ID: 902999). Algorithms developed to predict the effect of missense changes on protein structure and function are either unavailable or do not agree on the potential impact of this missense change (SIFT: "Tolerated"; PolyPhen-2: "Possibly Damaging"; Align-GVGD: "Class C0"). Algorithms developed to predict the effect of sequence changes on RNA splicing suggest that this variant may disrupt the consensus splice site. In summary, the available evidence is currently insufficient to determine the role of this variant in disease. Therefore, it has been classified as a Variant of Uncertain Significance.

Ambry Genetics
Classification: Uncertain significance for Inborn genetic diseases. Last evaluated: 2022-06-29. Review status: criteria provided, single submitter. Criteria: Ambry Variant Classification Scheme 2023. Collection method: clinical testing. Allele origin: germline.

Illumina Laboratory Services, Illumina
Classification: Uncertain significance for Alpha-N-acetylgalactosaminidase deficiency type 2. Last evaluated: 2018-01-13. Review status: criteria provided, single submitter. Criteria: ICSL Variant Classification Criteria 13 December 2019. Collection method: clinical testing. Allele origin: germline.

Illumina Laboratory Services, Illumina
Classification: Uncertain significance for Alpha-N-acetylgalactosaminidase deficiency type 1. Last evaluated: 2018-01-13. Review status: criteria provided, single submitter. Criteria: ICSL Variant Classification Criteria 13 December 2019. Collection method: clinical testing. Allele origin: germline.

Literature cited by the submitters: PubMed 24767253 (cited by Ambry Genetics); PubMed 28252636 (cited by Ambry Genetics).